The following is an entry in ClinVar:

NM_001008216.2(GALE):c.376A>G (p.Asn126Asp)

Gene: GALE (UDP-galactose-4-epimerase; minus strand). Cytogenetic location: 1p36.11.
Variant type: single nucleotide variant.
Coding change: c.376A>G on transcript NM_001008216.2 (MANE Select); coding-DNA position 376, A replaced by G.
Protein change: p.Asn126Asp; replaces asparagine 126 with aspartic acid.
Molecular consequence: missense variant.
Genome position (GRCh38, 1-based): chr1:23,797,847, T>C on the plus strand (A>G on the coding strand, the complement: GALE is on the minus strand). VCF-style: chr1-23797847-T-C. GRCh37 (hg19) VCF-style: chr1-24124337-T-C.
Other names: c.376A>G, p.Asn126Asp (NM_000403.4, NM_001127621.2); short protein forms N126D.
Identifiers: ClinVar variation 854757 (VCV000854757.17), dbSNP rs771656737, ClinGen allele CA685674.

ClinVar aggregate classification (germline): Uncertain significance. Review status: criteria provided, multiple submitters, no conflicts (2 of 4 stars). 3 submissions from 3 submitters: Uncertain significance (3). Last evaluated 2025-11-07.

Conditions:
Inborn genetic diseases. Identifiers: MedGen C0950123, MeSH D030342.
UDPglucose-4-epimerase deficiency. Also called: Epimerase Deficiency Galactosemia; UDPglucose 4-Epimerase Deficiency Disease; UDP-GALACTOSE-4-EPIMERASE DEFICIENCY; Galactose epimerase deficiency; GALACTOSEMIA III; GALE DEFICIENCY. Identifiers: Orphanet 352, Orphanet 79238, MedGen C0751161, MONDO:0009257, OMIM 230350.

Allele frequency attached by ClinVar (database versions not stated): TOPMed 0.00007; gnomAD 0.00013 and 0.00014; gnomAD exomes 0.00015 and 0.00025; ExAC 0.00041.
gnomAD v4.1: 260 of 1,614,042 alleles (0.016%); highest among the groups gnomAD compares: Non-Finnish European, 0.018%; 1 homozygote.

Submissions (3):

Ambry Genetics
Classification: Uncertain significance for Inborn genetic diseases. Last evaluated: 2025-11-07. Review status: criteria provided, single submitter. Criteria: Ambry Variant Classification Scheme 2023. Collection method: clinical testing. Allele origin: germline.

Labcorp Genetics (formerly Invitae), Labcorp
Classification: Uncertain significance for UDPglucose-4-epimerase deficiency. Last evaluated: 2022-08-22. Review status: criteria provided, single submitter. Criteria: Invitae Variant Classification Sherloc (09022015). Collection method: clinical testing. Allele origin: germline.
Comment: This sequence change replaces asparagine, which is neutral and polar, with aspartic acid, which is acidic and polar, at codon 126 of the GALE protein (p.Asn126Asp). This variant is present in population databases (rs771656737, gnomAD 0.04%). This variant has not been reported in the literature in individuals affected with GALE-related conditions. ClinVar contains an entry for this variant (Variation ID: 854757). Algorithms developed to predict the effect of missense changes on protein structure and function (SIFT, PolyPhen-2, Align-GVGD) all suggest that this variant is likely to be tolerated. In summary, the available evidence is currently insufficient to determine the role of this variant in disease. Therefore, it has been classified as a Variant of Uncertain Significance.

Illumina Laboratory Services, Illumina
Classification: Uncertain significance for UDPglucose-4-epimerase deficiency. Last evaluated: 2018-01-13. Review status: criteria provided, single submitter. Criteria: ICSL Variant Classification Criteria 13 December 2019. Collection method: clinical testing. Allele origin: germline.